The following is an entry in ClinVar:

NM_022166.4(XYLT1):c.1547A>G (p.Lys516Arg)

Gene: XYLT1 (xylosyltransferase 1; minus strand). Cytogenetic location: 16p12.3.
Variant type: single nucleotide variant.
Coding change: c.1547A>G on transcript NM_022166.4 (MANE Select); coding-DNA position 1547, A replaced by G.
Protein change: p.Lys516Arg; replaces lysine 516 with arginine.
Molecular consequence: missense variant.
Genome position (GRCh38, 1-based): chr16:17,141,193, T>C on the plus strand (A>G on the coding strand, the complement: XYLT1 is on the minus strand). VCF-style: chr16-17141193-T-C. GRCh37 (hg19) VCF-style: chr16-17235050-T-C.
Other names: c.1547A>G (NM_022166.3); short protein forms K516R.
Identifiers: ClinVar variation 1510725 (VCV001510725.7), dbSNP rs200026293, ClinGen allele CA7927879.

ClinVar aggregate classification (germline): Uncertain significance. Review status: criteria provided, multiple submitters, no conflicts (2 of 4 stars). 2 submissions from 2 submitters: Uncertain significance (2). Last evaluated 2025-07-14.

Conditions:
Inborn genetic diseases. Identifiers: MedGen C0950123, MeSH D030342.
Desbuquois dysplasia 1 (DBQD1). Also called: DESBUQUOIS DYSPLASIA 1, KIM VARIANT; MICROMELIC DWARFISM WITH VERTEBRAL AND METAPHYSEAL ABNORMALITIES AND ADVANCED CARPOTARSAL OSSIFICATION. Identifiers: Orphanet 1425, MedGen C4012146, MONDO:0009629, OMIM 251450.

Allele frequency attached by ClinVar (database versions not stated): TOPMed below 0.00001; gnomAD 0.00001; gnomAD exomes 0.00002; ExAC 0.00003.
gnomAD v4.1: 18 of 1,614,134 alleles (0.0011%); highest among the groups gnomAD compares: Middle Eastern, 0.066%; no homozygotes.

Submissions (2):

Labcorp Genetics (formerly Invitae), Labcorp
Classification: Uncertain significance for Desbuquois dysplasia 1. Last evaluated: 2025-07-14. Review status: criteria provided, single submitter. Criteria: Invitae Variant Classification Sherloc (09022015). Collection method: clinical testing. Allele origin: germline.
Comment: This sequence change replaces lysine, which is basic and polar, with arginine, which is basic and polar, at codon 516 of the XYLT1 protein (p.Lys516Arg). This variant is present in population databases (rs200026293, gnomAD 0.004%). This variant has not been reported in the literature in individuals affected with XYLT1-related conditions. ClinVar contains an entry for this variant (Variation ID: 1510725). Invitae Evidence Modeling of protein sequence and biophysical properties (such as structural, functional, and spatial information, amino acid conservation, physicochemical variation, residue mobility, and thermodynamic stability) indicates that this missense variant is not expected to disrupt XYLT1 protein function with a negative predictive value of 80%. In summary, the available evidence is currently insufficient to determine the role of this variant in disease. Therefore, it has been classified as a Variant of Uncertain Significance.

Ambry Genetics
Classification: Uncertain significance for Inborn genetic diseases. Last evaluated: 2025-06-25. Review status: criteria provided, single submitter. Criteria: Ambry Variant Classification Scheme 2023. Collection method: clinical testing. Allele origin: germline.